The following is an entry in ClinVar:

ClinVar aggregate classification (germline): Pathogenic (1 of 4 stars; one submission).

Submission:

Labcorp Genetics (formerly Invitae), Labcorp
Classification: Pathogenic. Last evaluated: 2019-04-15. Review status: criteria provided, single submitter. Criteria: Invitae Variant Classification Sherloc (09022015). Collection method: clinical testing. Allele origin: germline.
Comment: For these reasons, this variant has been classified as Pathogenic. Loss-of-function variants in DNAAF4 are known to be pathogenic (PMID: 23872636). This variant has not been reported in the literature in individuals with DNAAF4-related disease. ClinVar contains an entry for this variant (Variation ID: 410963). This variant is not present in population databases (ExAC no frequency). This sequence change creates a premature translational stop signal (p.Pro56Serfs*2) in the DNAAF4 gene. It is expected to result in an absent or disrupted protein product.

Literature cited by the submitters: PubMed 23872636.

NM_130810.4(DNAAF4):c.165_167delinsCT (p.Pro56fs)

Genes: DNAAF4 (dynein axonemal assembly factor 4; minus strand), DNAAF4-CCPG1 (DNAAF4-CCPG1 readthrough (NMD candidate); minus strand). Cytogenetic location: 15q21.3.
Variant type: Indel.
Coding change: c.165_167delinsCT on transcript NM_130810.4 (MANE Select); coding-DNA positions 165 to 167, TCC replaced by CT.
Protein change: p.Pro56fs; shifts the reading frame from proline 56.
Molecular consequence: frameshift variant. On other transcripts: non-coding transcript variant (1).
Genome position (GRCh38, 1-based): chr15:55,497,816-55,497,818, GGA replaced by AG on the plus strand (TCC replaced by CT on the coding strand, the reverse complement: DNAAF4 is on the minus strand). VCF-style: chr15-55497816-GGA-AG. GRCh37 (hg19) VCF-style: chr15-55790014-GGA-AG.
Other names: c.165_167delinsCT, p.Pro56fs (NM_001033559.3, NM_001033560.2); short protein forms P56fs.
Identifiers: ClinVar variation 410963 (VCV000410963.6), dbSNP rs1060503095, ClinGen allele CA16614857.
Genomic context (GRCh38, chr15:55,497,816, plus strand): 5'-TACAAGGTGAAGACAATGGTGTCATTCCCAATCTTTGCTTTGCTGCTCTCATCGTCTATG[GGA>AG]GCATAAAGAAATGCCTCAAATAAAAATGGAGGAAAGTTGACCTATGCAGAAGGGTGAAAA-3'